The following is an entry in ClinVar:

ClinVar aggregate classification (germline): Conflicting classifications of pathogenicity. Review status: criteria provided, conflicting classifications (1 of 4 stars). 2 submissions from 2 submitters: Likely pathogenic (1); Uncertain significance (1). Last evaluated 2025-10-26.

Conditions:
Very long chain acyl-CoA dehydrogenase deficiency (ACADVLD). Also called: Very Long-Chain Acyl-Coenzyme A Dehydrogenase Deficiency; VLCAD Deficiency. Identifiers: Orphanet 26793, MedGen C3887523, MONDO:0008723, OMIM 201475.

Allele frequency attached by ClinVar (database versions not stated): gnomAD exomes below 0.00001.
gnomAD v4.1: 1 of 1,614,122 alleles (0.000062%); highest among the groups gnomAD compares: Non-Finnish European, 0.000085%; no homozygotes.

Submissions (2):

Labcorp Genetics (formerly Invitae), Labcorp
Classification: Likely pathogenic for Very long chain acyl-CoA dehydrogenase deficiency. Last evaluated: 2025-10-26. Review status: criteria provided, single submitter. Criteria: Invitae Variant Classification Sherloc (09022015). Collection method: clinical testing. Allele origin: germline.
Comment: This sequence change replaces glutamine, which is neutral and polar, with proline, which is neutral and non-polar, at codon 182 of the ACADVL protein (p.Gln182Pro). This variant is not present in population databases (gnomAD no frequency). This missense change has been observed in individual(s) with very long-chain acyl-CoA dehydrogenase deficiency (internal data). In at least one individual the data is consistent with being in trans (on the opposite chromosome) from a pathogenic variant. ClinVar contains an entry for this variant (Variation ID: 932791). Invitae Evidence Modeling of protein sequence and biophysical properties (such as structural, functional, and spatial information, amino acid conservation, physicochemical variation, residue mobility, and thermodynamic stability) indicates that this missense variant is expected to disrupt ACADVL protein function with a positive predictive value of 80%. In summary, the currently available evidence indicates that the variant is pathogenic, but additional data are needed to prove that conclusively. Therefore, this variant has been classified as Likely Pathogenic.

Wong Mito Lab, Molecular and Human Genetics, Baylor College of Medicine
Classification: Uncertain significance for Very long chain acyl-CoA dehydrogenase deficiency. Last evaluated: 2019-11-01. Review status: criteria provided, single submitter. Criteria: ACMG Guidelines, 2015. Collection method: clinical testing. Allele origin: germline.
Comment: The NM_000018.3:c.545A>C (NP_000009.1:p.Gln182Pro) [GRCH38: NC_000017.11:g.7221605A>C] variant in ACADVL gene is interpretated to be Uncertain Significance based on ACMG guidelines (PMID: 25741868). This variant has been reported. This variant meets the following evidence codes reported in the ACMG guidelines: PP3

NM_000018.4(ACADVL):c.545A>C (p.Gln182Pro)

Gene: ACADVL (acyl-CoA dehydrogenase very long chain; plus strand). Cytogenetic location: 17p13.1.
Variant type: single nucleotide variant.
Coding change: c.545A>C on transcript NM_000018.4 (MANE Select); coding-DNA position 545, A replaced by C.
Protein change: p.Gln182Pro; replaces glutamine 182 with proline.
Molecular consequence: missense variant.
Genome position (GRCh38, 1-based): chr17:7,221,605, A>C. VCF-style: chr17-7221605-A-C. GRCh37 (hg19) VCF-style: chr17-7124924-A-C.
Other names: c.479A>C, p.Gln160Pro (NM_001033859.3); c.614A>C, p.Gln205Pro (NM_001270447.2); c.317A>C, p.Gln106Pro (NM_001270448.2); short protein forms Q106P, Q160P, Q205P, Q182P.
Identifiers: ClinVar variation 932791 (VCV000932791.3), dbSNP rs2071230096, ClinGen allele CA397723130.